The following is an entry in ClinVar:

NM_000540.3(RYR1):c.10687-11C>T

Gene: RYR1 (ryanodine receptor 1; plus strand). Cytogenetic location: 19q13.2.
Variant type: single nucleotide variant.
Coding change: c.10687-11C>T on transcript NM_000540.3 (MANE Select); 11 bases into the intron before coding-DNA position 10687, C replaced by T.
Molecular consequence: intron variant.
Genome position (GRCh38, 1-based): chr19:38,527,636, C>T. VCF-style: chr19-38527636-C-T. GRCh37 (hg19) VCF-style: chr19-39018276-C-T.
Other names: c.10672-11C>T (NM_001042723.2).
Identifiers: ClinVar variation 2883050 (VCV002883050.4), dbSNP rs2514488508, ClinGen allele CA507237447.

ClinVar aggregate classification (germline): Likely benign. Review status: criteria provided, multiple submitters, no conflicts (2 of 4 stars). 2 submissions from 2 submitters: Likely benign (2). Last evaluated 2024-05-01.

Conditions:
Malignant hyperthermia, susceptibility to, 1 (MHS1). Also called: Anesthesia related hyperthermia; Malignant hyperpyrexia; Fulminating hyperpyrexia; Pharmacogenic myopathy; RYR1-Related Malignant Hyperthermia Susceptibility; Malignant hyperthermia suceptibility 1. Identifiers: Orphanet 423, MedGen C2930980, MONDO:0007783, OMIM 145600.
RYR1-related disorder. Also called: RYR1-related condition; RYR1-related disorders. Identifiers: MedGen CN239331.

Submissions (2):

Labcorp Genetics (formerly Invitae), Labcorp
Classification: Likely benign for RYR1-related disorder. Last evaluated: 2024-05-01. Review status: criteria provided, single submitter. Criteria: Invitae Variant Classification Sherloc (09022015). Collection method: clinical testing. Allele origin: germline.

All of Us Research Program, National Institutes of Health
Classification: Likely benign for Malignant hyperthermia, susceptibility to, 1. Last evaluated: 2023-12-18. Review status: criteria provided, single submitter. Criteria: ACMG Guidelines, 2015. Collection method: clinical testing. Allele origin: germline. Inheritance: Autosomal dominant inheritance. Observed: 1 variant allele, 1 heterozygote.
Comment: This study involves interpretation of variants in research participants for the purpose of population health screening. Participant phenotype was not available at the time of variant classification. Additional details can be found in publication PMID: 35346344, PMCID: PMC8962531